The following is an entry in ClinVar:

NM_001613.4(ACTA2):c.911dup (p.Thr305fs)

Genes: ACTA2 (actin alpha 2, smooth muscle; minus strand), ACTA2-AS1 (ACTA2 antisense RNA 1; plus strand). Cytogenetic location: 10q23.31.
Variant type: Duplication.
Coding change: c.911dup on transcript NM_001613.4 (MANE Select); coding-DNA position 911, one base duplicated (G; older notation c.911dupG).
Protein change: p.Thr305fs; shifts the reading frame from threonine 305.
Molecular consequence: frameshift variant.
Genome position (GRCh38, 1-based): chr10:88,938,140, C duplicated on the plus strand (G on the coding strand, the reverse complement: ACTA2 is on the minus strand); the first of 5 consecutive C bases (chr10:88,938,140-88,938,144); duplicating any one gives the same sequence. VCF-style (leftmost placement, unchanged base first): chr10-88938139-G-GC. GRCh37 (hg19) VCF-style: chr10-90697896-G-GC.
Other names: c.911dup, p.Thr305fs (NM_001141945.3, NM_001320855.2, NM_001406462.1 and 2 more transcripts); c.800dup, p.Thr268fs (NM_001406466.1); c.782dup, p.Thr262fs (NM_001406467.1, NM_001406468.1, NM_001406469.1); c.719dup, p.Thr241fs (NM_001406471.1); short protein forms T241fs, T262fs, T268fs, T305fs.
Identifiers: ClinVar variation 4803964 (VCV004803964.1).

ClinVar aggregate classification (germline): Uncertain significance (1 of 4 stars; one submission).

Conditions:
Aortic aneurysm, familial thoracic 6 (AAT6). Also called: FAMILIAL THORACIC AORTIC ANEURYSM WITH LIVEDO RETICULARIS AND IRIS FLOCCULI. Identifiers: MedGen C2673186, MONDO:0012730, OMIM 611788.

Submission:

Labcorp Genetics (formerly Invitae), Labcorp
Classification: Uncertain significance for Aortic aneurysm, familial thoracic 6. Last evaluated: 2025-07-23. Review status: criteria provided, single submitter. Criteria: Invitae Variant Classification Sherloc (09022015). Collection method: clinical testing. Allele origin: germline.
Comment: This sequence change creates a premature translational stop signal (p.Thr305Hisfs*62) in the ACTA2 gene. While this is not anticipated to result in nonsense mediated decay, it is expected to disrupt the last 73 amino acid(s) of the ACTA2 protein. This variant is present in population databases (no rsID available, gnomAD 0.0009%). This variant has not been reported in the literature in individuals affected with ACTA2-related conditions. In summary, the available evidence is currently insufficient to determine the role of this variant in disease. Therefore, it has been classified as a Variant of Uncertain Significance.